The following is an entry in ClinVar:

ClinVar aggregate classification (germline): Uncertain significance. Review status: criteria provided, multiple submitters, no conflicts (2 of 4 stars). 2 submissions from 2 submitters: Uncertain significance (2). Last evaluated 2023-09-20.

Conditions:
Giant axonal neuropathy 1 (GAN1). Also called: GIANT AXONAL NEUROPATHY 1, AUTOSOMAL RECESSIVE; GAN-Related Neurodegeneration. Identifiers: Orphanet 643, MedGen C1850386, MONDO:0009749, OMIM 256850.

Submissions (2):

3billion
Classification: Uncertain significance for Giant axonal neuropathy 1. Last evaluated: 2023-09-20. Review status: criteria provided, single submitter. Criteria: ACMG Guidelines, 2015. Collection method: clinical testing. Allele origin: germline. Affected: yes.
Comment: The variant is not observed in the gnomAD v2.1.1 dataset. Predicted Consequence/Location: Inframe deletion located in a nonrepeat region: predicted to change the length of the protein and disrupt normal protein function. Therefore, this variant is classified as VUS according to the recommendation of ACMG/AMP guideline.

CeGaT Center for Human Genetics Tuebingen
Classification: Uncertain significance. Last evaluated: 2019-02-01. Review status: criteria provided, single submitter. Criteria: CeGaT Center For Human Genetics Tuebingen Variant Classification Criteria Version 2. Collection method: clinical testing. Allele origin: germline. Affected: yes. Observed: 2 variant alleles.

NM_022041.4(GAN):c.998_1006del (p.Gly333_Asp335del)

Gene: GAN (gigaxonin; plus strand). Cytogenetic location: 16q23.2.
Variant type: Deletion.
Coding change: c.998_1006del on transcript NM_022041.4 (MANE Select); coding-DNA positions 998 to 1006, 9 bases deleted (GCCAAGATG; older notation c.998_1006delGCCAAGATG).
Protein change: p.Gly333_Asp335del.
Molecular consequence: inframe deletion.
Genome position (GRCh38, 1-based): chr16:81,362,523-81,362,531, GCCAAGATG deleted; deleting any 9 consecutive bases within chr16:81,362,522-81,362,531 gives the same sequence; the c. name uses the placement nearest the transcript's 3' end. VCF-style (leftmost placement, unchanged base first): chr16-81362521-GGGCCAAGAT-G. GRCh37 (hg19) VCF-style: chr16-81396126-GGGCCAAGAT-G.
Other names: c.359_367del, p.Gly120_Asp122del (NM_001377486.1).
Identifiers: ClinVar variation 808114 (VCV000808114.43), dbSNP rs1597405722, ClinGen allele CA915949363.